The following is an entry in ClinVar:

NM_001098426.2(SMARCD2):c.1481G>A (p.Arg494Gln)

Gene: SMARCD2 (SWI/SNF related BAF chromatin remodeling complex subunit D2; minus strand). Cytogenetic location: 17q23.3.
Variant type: single nucleotide variant.
Coding change: c.1481G>A on transcript NM_001098426.2 (MANE Select); coding-DNA position 1481, G replaced by A.
Protein change: p.Arg494Gln; replaces arginine 494 with glutamine.
Molecular consequence: missense variant.
Genome position (GRCh38, 1-based): chr17:63,833,130, C>T on the plus strand (G>A on the coding strand, the complement: SMARCD2 is on the minus strand). VCF-style: chr17-63833130-C-T. GRCh37 (hg19) VCF-style: chr17-61910490-C-T.
Other names: c.1481G>A (NM_001098426.1); c.1256G>A, p.Arg419Gln (NM_001330439.1); c.1337G>A, p.Arg446Gln (NM_001330440.2); short protein forms R419Q, R446Q, R494Q.
Identifiers: ClinVar variation 1058522 (VCV001058522.8), dbSNP rs762523727, ClinGen allele CA8706177.
Genomic context (GRCh38, chr17:63,833,130, plus strand): 5'-TTGGCAAAGATGTGCCTGCCTACTGCTTCCTGGGCCCAGGGCTGGTGGTAGAAAGCAGCT[C>T]GTCTCTCCTCCTCAGGATTTCCAATCACATCAGTGATGATCTGCAAAGAGCCAGGAGGAA-3'
Protein context (NP_001091896.1, residues 484-504): DVIGNPEEER[Arg494Gln]AAFYHQPWAQ

ClinVar aggregate classification (germline): Uncertain significance. Review status: criteria provided, multiple submitters, no conflicts (2 of 4 stars). 2 submissions from 2 submitters: Uncertain significance (2). Last evaluated 2025-10-21.

Conditions:
Inborn genetic diseases. Identifiers: MedGen C0950123, MeSH D030342.

Allele frequency attached by ClinVar (database versions not stated): TOPMed 0.00001; ExAC 0.00003; gnomAD exomes 0.00003.
gnomAD v4.1: 12 of 1,607,458 alleles (0.00075%); highest among the groups gnomAD compares: Admixed American, 0.01%; 1 homozygote.

Submissions (2):

Labcorp Genetics (formerly Invitae), Labcorp
Classification: Uncertain significance. Last evaluated: 2025-10-21. Review status: criteria provided, single submitter. Criteria: Invitae Variant Classification Sherloc (09022015). Collection method: clinical testing. Allele origin: germline.
Comment: This sequence change replaces arginine, which is basic and polar, with glutamine, which is neutral and polar, at codon 494 of the SMARCD2 protein (p.Arg494Gln). This variant is present in population databases (rs762523727, gnomAD 0.02%), including at least one homozygous and/or hemizygous individual. This variant has not been reported in the literature in individuals affected with SMARCD2-related conditions. ClinVar contains an entry for this variant (Variation ID: 1058522). Invitae Evidence Modeling of protein sequence and biophysical properties (such as structural, functional, and spatial information, amino acid conservation, physicochemical variation, residue mobility, and thermodynamic stability) indicates that this missense variant is not expected to disrupt SMARCD2 protein function with a negative predictive value of 80%. In summary, the available evidence is currently insufficient to determine the role of this variant in disease. Therefore, it has been classified as a Variant of Uncertain Significance.

Ambry Genetics
Classification: Uncertain significance for Inborn genetic diseases. Last evaluated: 2025-03-27. Review status: criteria provided, single submitter. Criteria: Ambry Variant Classification Scheme 2023. Collection method: clinical testing. Allele origin: germline.